The following is an entry in ClinVar:

ClinVar aggregate classification (germline): Uncertain significance (1 of 4 stars; one submission).

Conditions:
Familial thoracic aortic aneurysm and aortic dissection (TAAD). Also called: Thoracic aortic aneurysms and dissections. Identifiers: Orphanet 91387, MedGen C4707243, MONDO:0019625.
Marfan syndrome (MFS). Also called: FBN1-Related Marfan Syndrome; Marfan's syndrome; MARFAN SYNDROME, TYPE I; Marfan syndrome type 1; Marfan syndrome, classic. Identifiers: Orphanet 284963, Orphanet 558, MedGen C0024796, MONDO:0007947, OMIM 154700.

Submission:

Labcorp Genetics (formerly Invitae), Labcorp
Classification: Uncertain significance for Marfan syndrome; Familial thoracic aortic aneurysm and aortic dissection. Last evaluated: 2019-11-26. Review status: criteria provided, single submitter. Criteria: Invitae Variant Classification Sherloc (09022015). Collection method: clinical testing. Allele origin: germline.
Comment: Algorithms developed to predict the effect of missense changes on protein structure and function are either unavailable or do not agree on the potential impact of this missense change (SIFT: "Deleterious"; PolyPhen-2: "Benign"; Align-GVGD: "Class C0"). This variant has not been reported in the literature in individuals with FBN1-related conditions. This variant is not present in population databases (ExAC no frequency). This sequence change replaces serine with asparagine at codon 2732 of the FBN1 protein (p.Ser2732Asn). The serine residue is highly conserved and there is a small physicochemical difference between serine and asparagine. In summary, the available evidence is currently insufficient to determine the role of this variant in disease. Therefore, it has been classified as a Variant of Uncertain Significance.

NM_000138.5(FBN1):c.8195G>A (p.Ser2732Asn)

Gene: FBN1 (fibrillin 1; minus strand). Cytogenetic location: 15q21.1.
Variant type: single nucleotide variant.
Coding change: c.8195G>A on transcript NM_000138.5 (MANE Select); coding-DNA position 8195, G replaced by A.
Protein change: p.Ser2732Asn; replaces serine 2732 with asparagine.
Molecular consequence: missense variant.
Genome position (GRCh38, 1-based): chr15:48,412,600, C>T on the plus strand (G>A on the coding strand, the complement: FBN1 is on the minus strand). VCF-style: chr15-48412600-C-T. GRCh37 (hg19) VCF-style: chr15-48704797-C-T.
Other names: short protein forms S2732N.
Identifiers: ClinVar variation 864722 (VCV000864722.9), dbSNP rs2042872305, ClinGen allele CA392320784.